The following is an entry in ClinVar:

ClinVar aggregate classification (germline): Uncertain significance. Review status: criteria provided, multiple submitters, no conflicts (2 of 4 stars). 4 submissions from 4 submitters: Uncertain significance (4). Last evaluated 2024-06-03.

Conditions:
Hereditary cancer-predisposing syndrome. Also called: Neoplastic Syndromes, Hereditary; Tumor predisposition; Hereditary Cancer Syndrome; Hereditary neoplastic syndrome. Identifiers: Orphanet 140162, MedGen C0027672, MeSH D009386, MONDO:0015356.
Familial adenomatous polyposis 1 (FAP1). Also called: FAMILIAL ADENOMATOUS POLYPOSIS 1, ATTENUATED; POLYPOSIS, ADENOMATOUS INTESTINAL. Identifiers: MedGen C2713442, MONDO:0021056, OMIM 175100. Disease mechanism: loss of function.

Allele frequency attached by ClinVar (database versions not stated): gnomAD exomes below 0.00001.
gnomAD v4.1: 2 of 1,613,944 alleles (0.00012%); highest among the groups gnomAD compares: South Asian, 0.0011%; no homozygotes.

Submissions (4):

Ambry Genetics
Classification: Uncertain significance for Hereditary cancer-predisposing syndrome. Last evaluated: 2024-06-03. Review status: criteria provided, single submitter. Criteria: Ambry Variant Classification Scheme 2023. Collection method: clinical testing. Allele origin: germline.
Comment: The p.S2343P variant (also known as c.7027T>C), located in coding exon 15 of the APC gene, results from a T to C substitution at nucleotide position 7027. The serine at codon 2343 is replaced by proline, an amino acid with similar properties. This amino acid position is conserved. In addition, in silico predictors for this gene do not accurately predict pathogenicity. Since supporting evidence is limited at this time, the clinical significance of this alteration remains unclear.

Color Diagnostics, LLC DBA Color Health
Classification: Uncertain significance for Hereditary cancer-predisposing syndrome. Last evaluated: 2023-12-05. Review status: criteria provided, single submitter. Criteria: ACMG Guidelines, 2015. Collection method: clinical testing. Allele origin: germline.
Comment: This missense variant replaces serine with proline at codon 2343 of the APC protein. Computational prediction suggests that this variant may not impact protein structure and function (internally defined REVEL score threshold <= 0.5, PMID: 27666373). To our knowledge, functional studies have not been reported for this variant. This variant has not been reported in individuals affected with APC-related disorders in the literature. This variant has been identified in 1/250032 chromosomes in the general population by the Genome Aggregation Database (gnomAD). The available evidence is insufficient to determine the role of this variant in disease conclusively. Therefore, this variant is classified as a Variant of Uncertain Significance.

GeneDx
Classification: Uncertain significance. Last evaluated: 2023-05-12. Review status: criteria provided, single submitter. Criteria: GeneDx Variant Classification Process June 2021. Collection method: clinical testing. Allele origin: germline. Affected: yes.
Comment: Not observed at significant frequency in large population cohorts (gnomAD); In silico analysis supports that this missense variant does not alter protein structure/function; Has not been previously published as pathogenic or benign to our knowledge; This variant is associated with the following publications: (PMID: 18199528)

Labcorp Genetics (formerly Invitae), Labcorp
Classification: Uncertain significance for Familial adenomatous polyposis 1. Last evaluated: 2020-10-27. Review status: criteria provided, single submitter. Criteria: Invitae Variant Classification Sherloc (09022015). Collection method: clinical testing. Allele origin: germline.
Comment: Algorithms developed to predict the effect of missense changes on protein structure and function are either unavailable or do not agree on the potential impact of this missense change (SIFT: "Tolerated"; PolyPhen-2: "Probably Damaging"; Align-GVGD: "Class C0"). This variant has not been reported in the literature in individuals with APC-related conditions. ClinVar contains an entry for this variant (Variation ID: 922986). This variant is not present in population databases (ExAC no frequency). This sequence change replaces serine with proline at codon 2343 of the APC protein (p.Ser2343Pro). The serine residue is highly conserved and there is a moderate physicochemical difference between serine and proline. In summary, the available evidence is currently insufficient to determine the role of this variant in disease. Therefore, it has been classified as a Variant of Uncertain Significance.

NM_000038.6(APC):c.7027T>C (p.Ser2343Pro)

Gene: APC (APC regulator of Wnt signaling pathway; plus strand). Cytogenetic location: 5q22.2.
Variant type: single nucleotide variant.
Coding change: c.7027T>C on transcript NM_000038.6 (MANE Select); coding-DNA position 7027, T replaced by C.
Protein change: p.Ser2343Pro; replaces serine 2343 with proline.
Molecular consequence: missense variant.
Genome position (GRCh38, 1-based): chr5:112,842,621, T>C. VCF-style: chr5-112842621-T-C. GRCh37 (hg19) VCF-style: chr5-112178318-T-C.
Other names: c.7027T>C, p.Ser2343Pro (NM_001127510.3, NM_001354895.2); c.6973T>C, p.Ser2325Pro (NM_001127511.3); c.7081T>C, p.Ser2361Pro (NM_001354896.2); c.7057T>C, p.Ser2353Pro (NM_001354897.2); c.6952T>C, p.Ser2318Pro (NM_001354898.2); c.6943T>C, p.Ser2315Pro (NM_001354899.2); c.6904T>C, p.Ser2302Pro (NM_001354900.2); c.6850T>C, p.Ser2284Pro (NM_001354901.2); and 5 more; short protein forms S2217P, S2242P, S2353P, S2302P, S2318P, S2325P, S2060P, S2284P.
Identifiers: ClinVar variation 922986 (VCV000922986.18), dbSNP rs1014575548, ClinGen allele CA16036649.